The following is an entry in ClinVar:

NM_000264.5(PTCH1):c.578A>G (p.Tyr193Cys)

Gene: PTCH1 (patched 1; minus strand). Cytogenetic location: 9q22.32.
Variant type: single nucleotide variant.
Coding change: c.578A>G on transcript NM_000264.5 (MANE Select); coding-DNA position 578, A replaced by G.
Protein change: p.Tyr193Cys; replaces tyrosine 193 with cysteine.
Molecular consequence: missense variant. On other transcripts: non-coding transcript variant (1).
Genome position (GRCh38, 1-based): chr9:95,485,691, T>C on the plus strand (A>G on the coding strand, the complement: PTCH1 is on the minus strand). VCF-style: chr9-95485691-T-C. GRCh37 (hg19) VCF-style: chr9-98247973-T-C.
Other names: c.125A>G, p.Tyr42Cys (NM_001083607.3, NM_001083604.3, NM_001083605.3 and 1 more transcripts); c.578A>G, p.Tyr193Cys (NM_001354918.2); c.380A>G, p.Tyr127Cys (NM_001354919.2, NM_001083602.3); c.575A>G, p.Tyr192Cys (NM_001083603.3); short protein forms Y42C, Y127C, Y192C, Y193C.
Identifiers: ClinVar variation 4845083 (VCV004845083.2).

ClinVar aggregate classification (germline): Uncertain significance (1 of 4 stars; one submission).

Conditions:
Hereditary cancer-predisposing syndrome. Also called: Neoplastic Syndromes, Hereditary; Tumor predisposition; Hereditary Cancer Syndrome; Hereditary neoplastic syndrome. Identifiers: Orphanet 140162, MedGen C0027672, MeSH D009386, MONDO:0015356.

Submission:

Ambry Genetics
Classification: Uncertain significance for Hereditary cancer-predisposing syndrome. Last evaluated: 2026-07-06. Review status: criteria provided, single submitter. Criteria: Ambry Variant Classification Scheme 2023. Collection method: clinical testing. Allele origin: germline.
Comment: The p.Y193C variant (also known as c.578A>G), located in coding exon 3 of the PTCH1 gene, results from an A to G substitution at nucleotide position 578. The tyrosine at codon 193 is replaced by cysteine, an amino acid with highly dissimilar properties. This amino acid position is highly conserved in available vertebrate species. In addition, this alteration is predicted to be deleterious by in silico analysis. Based on the available evidence, the clinical significance of this variant remains unclear.